The following is an entry in ClinVar:

NM_001987.5(ETV6):c.485C>A (p.Pro162His)

Gene: ETV6 (ETS variant transcription factor 6; plus strand). Cytogenetic location: 12p13.2.
Variant type: single nucleotide variant.
Coding change: c.485C>A on transcript NM_001987.5 (MANE Select); coding-DNA position 485, C replaced by A.
Protein change: p.Pro162His; replaces proline 162 with histidine.
Molecular consequence: missense variant.
Genome position (GRCh38, 1-based): chr12:11,869,445, C>A. VCF-style: chr12-11869445-C-A. GRCh37 (hg19) VCF-style: chr12-12022379-C-A.
Other names: c.482C>A, p.Pro161His (NM_001413913.1); c.458C>A, p.Pro153His (NM_001413914.1); c.221C>A, p.Pro74His (NM_001413915.1); c.485C>A, p.Pro162His (NM_001413916.1, NM_001413917.1); short protein forms P161H, P162H, P153H, P74H.
Identifiers: ClinVar variation 2893998 (VCV002893998.4), dbSNP rs760628839, ClinGen allele CA6454261.

ClinVar aggregate classification (germline): Uncertain significance. Review status: criteria provided, multiple submitters, no conflicts (2 of 4 stars). 2 submissions from 2 submitters: Uncertain significance (2). Last evaluated 2024-10-05.

Conditions:
Inborn genetic diseases. Identifiers: MedGen C0950123, MeSH D030342.

Allele frequency attached by ClinVar (database versions not stated): gnomAD exomes 0.00001; TOPMed 0.00001; ExAC 0.00002.
gnomAD v4.1: 5 of 1,612,204 alleles (0.00031%); highest among the groups gnomAD compares: Admixed American, 0.0083%; no homozygotes.

Submissions (2):

Ambry Genetics
Classification: Uncertain significance for Inborn genetic diseases. Last evaluated: 2024-10-05. Review status: criteria provided, single submitter. Criteria: Ambry Variant Classification Scheme 2023. Collection method: clinical testing. Allele origin: germline.
Comment: The p.P162H variant (also known as c.485C>A), located in coding exon 5 of the ETV6 gene, results from a C to A substitution at nucleotide position 485. The proline at codon 162 is replaced by histidine, an amino acid with similar properties. This amino acid position is conserved. In addition, this alteration is predicted to be tolerated by in silico analysis. Based on the available evidence, the clinical significance of this variant remains unclear.

Labcorp Genetics (formerly Invitae), Labcorp
Classification: Uncertain significance. Last evaluated: 2023-08-02. Review status: criteria provided, single submitter. Criteria: Invitae Variant Classification Sherloc (09022015). Collection method: clinical testing. Allele origin: germline.
Comment: In summary, the available evidence is currently insufficient to determine the role of this variant in disease. Therefore, it has been classified as a Variant of Uncertain Significance. Advanced modeling of protein sequence and biophysical properties (such as structural, functional, and spatial information, amino acid conservation, physicochemical variation, residue mobility, and thermodynamic stability) performed at Invitae indicates that this missense variant is not expected to disrupt ETV6 protein function. This variant has not been reported in the literature in individuals affected with ETV6-related conditions. This variant is present in population databases (rs760628839, gnomAD 0.01%). This sequence change replaces proline, which is neutral and non-polar, with histidine, which is basic and polar, at codon 162 of the ETV6 protein (p.Pro162His).